The following is an entry in ClinVar:

NM_000180.4(GUCY2D):c.2831G>A (p.Arg944Gln)

Gene: GUCY2D (guanylate cyclase 2D, retinal; plus strand). Cytogenetic location: 17p13.1.
Variant type: single nucleotide variant.
Coding change: c.2831G>A on transcript NM_000180.4 (MANE Select); coding-DNA position 2831, G replaced by A.
Protein change: p.Arg944Gln; replaces arginine 944 with glutamine.
Molecular consequence: missense variant.
Genome position (GRCh38, 1-based): chr17:8,015,389, G>A. VCF-style: chr17-8015389-G-A. GRCh37 (hg19) VCF-style: chr17-7918707-G-A.
Other names: short protein forms R944Q.
Identifiers: ClinVar variation 1450084 (VCV001450084.6), dbSNP rs369527655, ClinGen allele CA8366239.

ClinVar aggregate classification (germline): Uncertain significance (1 of 4 stars; one submission).

Conditions:
Cone-rod dystrophy 6 (CORD6). Also called: RETINAL CONE DYSTROPHY 2; Cone dystrophy progressive. Identifiers: Orphanet 1872, MedGen C1866293, MONDO:0011143, OMIM 601777.
Leber congenital amaurosis 1 (LCA1). Also called: AMAUROSIS CONGENITA OF LEBER I; Congenital absence of the rods and cones; Leber's congenital tapetoretinal degeneration; Leber's congenital tapetoretinal dysplasia; RETINAL BLINDNESS, CONGENITAL. Identifiers: Orphanet 65, MedGen C2931258, MONDO:0008764, OMIM 204000.

Allele frequency attached by ClinVar (database versions not stated): gnomAD exomes below 0.00001 and 0.00001; ExAC 0.00001; gnomAD 0.00003 and 0.00004; TOPMed 0.00003; ESP Exome Variant Server 0.00008.
gnomAD v4.1: 7 of 1,613,016 alleles (0.00043%); highest among the groups gnomAD compares: African/African-American, 0.0067%; no homozygotes.

Submission:

Labcorp Genetics (formerly Invitae), Labcorp
Classification: Uncertain significance for Leber congenital amaurosis 1; Cone-rod dystrophy 6. Last evaluated: 2025-02-17. Review status: criteria provided, single submitter. Criteria: Invitae Variant Classification Sherloc (09022015). Collection method: clinical testing. Allele origin: germline.
Comment: This sequence change replaces arginine, which is basic and polar, with glutamine, which is neutral and polar, at codon 944 of the GUCY2D protein (p.Arg944Gln). This variant is present in population databases (rs369527655, gnomAD 0.01%). This variant has not been reported in the literature in individuals affected with GUCY2D-related conditions. ClinVar contains an entry for this variant (Variation ID: 1450084). Invitae Evidence Modeling of protein sequence and biophysical properties (such as structural, functional, and spatial information, amino acid conservation, physicochemical variation, residue mobility, and thermodynamic stability) has been performed for this missense variant. However, the output from this modeling did not meet the statistical confidence thresholds required to predict the impact of this variant on GUCY2D protein function. In summary, the available evidence is currently insufficient to determine the role of this variant in disease. Therefore, it has been classified as a Variant of Uncertain Significance.